The following is an entry in ClinVar:

NM_000264.5(PTCH1):c.1847G>A (p.Ser616Asn)

Genes: PTCH1 (patched 1; minus strand), LOC100507346 (uncharacterized LOC100507346; plus strand). Cytogenetic location: 9q22.32.
Variant type: single nucleotide variant.
Coding change: c.1847G>A on transcript NM_000264.5 (MANE Select); coding-DNA position 1847, G replaced by A.
Protein change: p.Ser616Asn; replaces serine 616 with asparagine.
Molecular consequence: missense variant. On other transcripts: non-coding transcript variant (2).
Genome position (GRCh38, 1-based): chr9:95,469,813, C>T on the plus strand (G>A on the coding strand, the complement: PTCH1 is on the minus strand). VCF-style: chr9-95469813-C-T. GRCh37 (hg19) VCF-style: chr9-98232095-C-T.
Other names: c.1649G>A, p.Ser550Asn (NM_001083602.3); c.1844G>A, p.Ser615Asn (NM_001083603.3); c.1394G>A, p.Ser465Asn (NM_001083604.3, NM_001083605.3, NM_001083606.3 and 1 more transcripts); c.1691G>A, p.Ser564Asn (NM_001354918.2); short protein forms S564N, S615N, S616N, S465N, S550N.
Identifiers: ClinVar variation 2098551 (VCV002098551.4), dbSNP rs2118088370, ClinGen allele CA374116214.
Genomic context (GRCh38, chr9:95,469,813, plus strand): 5'-AGTTCTCTCACAGCACCATTCTGCACCCAATCAAAAGGCCACAGCAGTCTGAAAATGTAC[C>T]TTGTAAAACAGCAGAAAATATCCAGTCTCCTGTCCTCGCGTCGATATAAATCCATGCTGA-3'
Protein context (NP_000255.2, residues 606-626): RRLDIFCCFT[Ser616Asn]PCVSRVIQVE

ClinVar aggregate classification (germline): Uncertain significance (1 of 4 stars; one submission).

Conditions:
Gorlin syndrome. Also called: Basal cell nevus syndrome; Nevoid Basal Cell Carcinoma Syndrome. Identifiers: Orphanet 377, MedGen C0004779, MONDO:0007187.

Submission:

Labcorp Genetics (formerly Invitae), Labcorp
Classification: Uncertain significance for Gorlin syndrome. Last evaluated: 2022-07-30. Review status: criteria provided, single submitter. Criteria: Invitae Variant Classification Sherloc (09022015). Collection method: clinical testing. Allele origin: germline.
Comment: In summary, the available evidence is currently insufficient to determine the role of this variant in disease. Therefore, it has been classified as a Variant of Uncertain Significance. Variants that disrupt the consensus splice site are a relatively common cause of aberrant splicing (PMID: 17576681, 9536098). Algorithms developed to predict the effect of sequence changes on RNA splicing suggest that this variant may disrupt the consensus splice site. Algorithms developed to predict the effect of missense changes on protein structure and function are either unavailable or do not agree on the potential impact of this missense change (SIFT: "Deleterious"; PolyPhen-2: "Possibly Damaging"; Align-GVGD: "Class C0"). This missense change has been observed in individual(s) with basal cell nevus syndrome (PMID: 33441926). This variant is not present in population databases (gnomAD no frequency). This sequence change replaces serine, which is neutral and polar, with asparagine, which is neutral and polar, at codon 616 of the PTCH1 protein (p.Ser616Asn). This variant also falls at the last nucleotide of exon 13, which is part of the consensus splice site for this exon.

Literature cited by the submitters: PubMed 17576681; PubMed 9536098; PubMed 33441926.